The following is an entry in ClinVar:

NM_004972.4(JAK2):c.376A>G (p.Ser126Gly)

Genes: INSL6 (insulin like 6; minus strand), JAK2 (Janus kinase 2; plus strand). Cytogenetic location: 9p24.1.
Variant type: single nucleotide variant.
Coding change: c.376A>G on transcript NM_004972.4 (MANE Select); coding-DNA position 376, A replaced by G.
Protein change: p.Ser126Gly; replaces serine 126 with glycine.
Molecular consequence: missense variant. On other transcripts: 5 prime UTR variant (3), non-coding transcript variant (2).
Genome position (GRCh38, 1-based): chr9:5,044,428, A>G. VCF-style: chr9-5044428-A-G. GRCh37 (hg19) VCF-style: chr9-5044428-A-G.
Other names: c.376A>G, p.Ser126Gly (NM_001322194.2, NM_001322195.2, NM_001322196.2); c.-745A>G (NM_001322198.2, NM_001322199.2); c.-72A>G (NM_001322204.2); short protein forms S126G.
Identifiers: ClinVar variation 3896511 (VCV003896511.2).

ClinVar aggregate classification (germline): Uncertain significance (1 of 4 stars; one submission).

gnomAD v4.1: 2 of 1,611,920 alleles (0.00012%); highest among the groups gnomAD compares: East Asian, 0.0022%; no homozygotes.

Submission:

Women's Health and Genetics/Laboratory Corporation of America, LabCorp
Classification: Uncertain significance. Last evaluated: 2025-04-03. Review status: criteria provided, single submitter. Criteria: LabCorp Variant Classification Summary - May 2015. Collection method: clinical testing. Allele origin: germline.
Comment: Variant summary: JAK2 c.376A>G (p.Ser126Gly) results in a non-conservative amino acid change located in the FERM domain (IPR019749) of the encoded protein sequence. Four of five in-silico tools predict a benign effect of the variant on protein function. The variant allele was found at a frequency of 4e-06 in 250336 control chromosomes. The available data on variant occurrences in the general population are insufficient to allow any conclusion about variant significance. To our knowledge, no occurrence of c.376A>G in individuals affected with JAK2-Related Disorders and no experimental evidence demonstrating its impact on protein function have been reported. No submitters have cited clinical-significance assessments for this variant to ClinVar. Based on the evidence outlined above, the variant was classified as uncertain significance.